The following is an entry in ClinVar:

ClinVar aggregate classification (germline): Uncertain significance (1 of 4 stars; one submission).

Conditions:
Autoimmune lymphoproliferative syndrome type 2B. Also called: AUTOIMMUNE LYMPHOPROLIFERATIVE SYNDROME, TYPE IIB. Identifiers: Orphanet 275517, MedGen C1846545, MONDO:0011804, OMIM 607271.

Allele frequency attached by ClinVar (database versions not stated): gnomAD 0.00001; TOPMed 0.00001.
gnomAD v4.1: 1 of 1,612,334 alleles (0.000062%); highest among the groups gnomAD compares: African/African-American, 0.0013%; no homozygotes.

Submission:

Labcorp Genetics (formerly Invitae), Labcorp
Classification: Uncertain significance for Autoimmune lymphoproliferative syndrome type 2B. Last evaluated: 2021-03-20. Review status: criteria provided, single submitter. Criteria: Invitae Variant Classification Sherloc (09022015). Collection method: clinical testing. Allele origin: germline.
Comment: This variant has not been reported in the literature in individuals with CASP8-related conditions. Algorithms developed to predict the effect of missense changes on protein structure and function (SIFT, PolyPhen-2, Align-GVGD) all suggest that this variant is likely to be tolerated, but these predictions have not been confirmed by published functional studies and their clinical significance is uncertain. In summary, the available evidence is currently insufficient to determine the role of this variant in disease. Therefore, it has been classified as a Variant of Uncertain Significance. This variant is not present in population databases (ExAC no frequency). This sequence change replaces glutamine with lysine at codon 97 of the CASP8 protein (p.Gln97Lys). The glutamine residue is moderately conserved and there is a small physicochemical difference between glutamine and lysine.

NM_001372051.1(CASP8):c.289C>A (p.Gln97Lys)

Gene: CASP8 (caspase 8; plus strand). Cytogenetic location: 2q33.1.
Variant type: single nucleotide variant.
Coding change: c.289C>A on transcript NM_001372051.1 (MANE Select); coding-DNA position 289, C replaced by A.
Protein change: p.Gln97Lys; replaces glutamine 97 with lysine.
Molecular consequence: missense variant. On other transcripts: 5 prime UTR variant (9), non-coding transcript variant (22), intron variant (3).
Genome position (GRCh38, 1-based): chr2:201,266,775, C>A. VCF-style: chr2-201266775-C-A. GRCh37 (hg19) VCF-style: chr2-202131498-C-A.
Other names: c.289C>A, p.Gln97Lys (NM_001080124.2, NM_001228.5, NM_001400645.1 and 21 more transcripts); c.466C>A, p.Gln156Lys (NM_001080125.2, NM_001400642.1, NM_001400665.1); c.-244C>A (NM_001400671.1, NM_001400673.1, NM_001400676.1 and 4 more transcripts); c.-425C>A (NM_001400674.1); c.-323C>A (NM_001400680.1); c.-4-4741C>A (NM_001400669.1); c.-227-4741C>A (NM_001400672.1, NM_001400675.1); short protein forms Q156K, Q97K.
Identifiers: ClinVar variation 1462174 (VCV001462174.8), dbSNP rs1489585227, ClinGen allele CA350283236.
Genomic context (GRCh38, chr2:201,266,775, plus strand): 5'-ACCTACCTAAACACTAGAAAGGAGGAGATGGAAAGGGAACTTCAGACACCAGGCAGGGCT[C>A]AAATTTCTGCCTACAGGTGGGTGGAAACTCCCATTGTGGGACTGGGAGGTGTGGGTTGAA-3'
Protein context (NP_001358980.1, residues 87-107): ERELQTPGRA[Gln97Lys]ISAYRVMLYQ